The following is an entry in ClinVar:

ClinVar aggregate classification (germline): Benign. Review status: criteria provided, single submitter (1 of 4 stars). 4 submissions from 4 submitters: Benign (1). 3 of the submissions do not count toward it.

Conditions:
GFRA1-related disorder. Also called: GFRA1-related condition.

Allele frequency attached by ClinVar (database versions not stated): 1000 Genomes Project 0.01677; 1000 Genomes Project 30x 0.01765; TOPMed 0.02048; gnomAD 0.02362 and 0.02413; ESP Exome Variant Server 0.02414; ExAC 0.02735; gnomAD exomes 0.02742 and 0.03101.
gnomAD v4.1: 48,917 of 1,614,030 alleles (3%); highest among the groups gnomAD compares: South Asian, 4.1%; 875 homozygotes.

Submissions (4):

Breakthrough Genomics
Classification: Benign. Review status: criteria provided, single submitter. Criteria: ACMG Guidelines, 2015. Collection method: not provided. Allele origin: germline. Inheritance: Autosomal recessive inheritance. Affected: yes.

PreventionGenetics, part of Exact Sciences
Classification: Benign for GFRA1-related condition. Last evaluated: 2024-05-31. Review status: no assertion criteria provided. Collection method: clinical testing. Allele origin: germline. Not counted in ClinVar's aggregate classification.
Comment: This variant is classified as benign based on ACMG/AMP sequence variant interpretation guidelines (Richards et al. 2015 PMID: 25741868, with internal and published modifications).

Clinical Genetics DNA and cytogenetics Diagnostics Lab, Erasmus MC, Erasmus Medical Center
Classification: Benign. Review status: no assertion criteria provided. Collection method: clinical testing. Allele origin: germline. Affected: yes. Study: VKGL Data-share Consensus. Not counted in ClinVar's aggregate classification.

Genome Diagnostics Laboratory, University Medical Center Utrecht
Classification: Benign. Review status: no assertion criteria provided. Collection method: clinical testing. Allele origin: germline. Affected: yes. Study: VKGL Data-share Consensus. Not counted in ClinVar's aggregate classification.

NM_005264.8(GFRA1):c.253T>A (p.Tyr85Asn)

Gene: GFRA1 (GDNF family receptor alpha 1; minus strand). Cytogenetic location: 10q25.3.
Variant type: single nucleotide variant.
Coding change: c.253T>A on transcript NM_005264.8 (MANE Select); coding-DNA position 253, T replaced by A.
Protein change: p.Tyr85Asn; replaces tyrosine 85 with asparagine.
Molecular consequence: missense variant.
Genome position (GRCh38, 1-based): chr10:116,270,903, A>T on the plus strand (T>A on the coding strand, the complement: GFRA1 is on the minus strand). VCF-style: chr10-116270903-A-T. GRCh37 (hg19) VCF-style: chr10-118030415-A-T.
Other names: c.253T>A, p.Tyr85Asn (NM_001145453.4, NM_001348096.3, NM_001348098.4 and 7 more transcripts); c.253T>A (NM_001348098.1); short protein forms Y85N.
Identifiers: ClinVar variation 1328035 (VCV001328035.5), dbSNP rs8192662, ClinGen allele CA5705486.